The following is an entry in ClinVar:

ClinVar aggregate classification (germline): Uncertain significance (1 of 4 stars; one submission).

Conditions:
Legius syndrome. Identifiers: Orphanet 137605, MedGen C1969623, MONDO:0012669, OMIM 611431. Disease mechanism: loss of function.

Allele frequency attached by ClinVar (database versions not stated): gnomAD exomes below 0.00001.
gnomAD v4.1: 1 of 1,613,758 alleles (0.000062%); highest among the groups gnomAD compares: Non-Finnish European, 0.000085%; no homozygotes.

Submission:

Labcorp Genetics (formerly Invitae), Labcorp
Classification: Uncertain significance for Legius syndrome. Last evaluated: 2023-05-05. Review status: criteria provided, single submitter. Criteria: Invitae Variant Classification Sherloc (09022015). Collection method: clinical testing. Allele origin: germline.
Comment: In summary, the available evidence is currently insufficient to determine the role of this variant in disease. Therefore, it has been classified as a Variant of Uncertain Significance. Advanced modeling of protein sequence and biophysical properties (such as structural, functional, and spatial information, amino acid conservation, physicochemical variation, residue mobility, and thermodynamic stability) performed at Invitae indicates that this missense variant is not expected to disrupt SPRED1 protein function. This variant has not been reported in the literature in individuals affected with SPRED1-related conditions. This variant is not present in population databases (gnomAD no frequency). This sequence change replaces asparagine, which is neutral and polar, with aspartic acid, which is acidic and polar, at codon 143 of the SPRED1 protein (p.Asn143Asp).

NM_152594.3(SPRED1):c.427A>G (p.Asn143Asp)

Gene: SPRED1 (sprouty related EVH1 domain containing 1; plus strand). Cytogenetic location: 15q14.
Variant type: single nucleotide variant.
Coding change: c.427A>G on transcript NM_152594.3 (MANE Select); coding-DNA position 427, A replaced by G.
Protein change: p.Asn143Asp; replaces asparagine 143 with aspartic acid.
Molecular consequence: missense variant.
Genome position (GRCh38, 1-based): chr15:38,339,740, A>G. VCF-style: chr15-38339740-A-G. GRCh37 (hg19) VCF-style: chr15-38631941-A-G.
Other names: short protein forms N143D.
Identifiers: ClinVar variation 2855145 (VCV002855145.3), dbSNP rs2542723530, ClinGen allele CA391932406.